The following is an entry in ClinVar:

ClinVar aggregate classification (germline): Conflicting classifications of pathogenicity. Review status: criteria provided, conflicting classifications (1 of 4 stars). 4 submissions from 4 submitters: Uncertain significance (2); Likely benign (1). 1 of the submissions does not count toward it. Last evaluated 2024-04-12.

Conditions:
Southeast Asian ovalocytosis. Also called: Stomatocytic elliptocytosis, hereditary; Ovalocytosis, Malaysian-Melanesian-Filipino type; HE, STOMATOCYTIC; Elliptocytosis 4. Identifiers: Orphanet 98868, MedGen C1862322, MONDO:0008165, OMIM 166900.
Cryohydrocytosis. Also called: CRYOHYDROCYTOSIS DUE TO BAND 3 HEMEL; CRYOHYDROCYTOSIS DUE TO BAND 3 HURSTPIERPOINT; CRYOHYDROCYTOSIS DUE TO BAND 3 BLACKBURN; STOMATOCYTOSIS, COLD-SENSITIVE; Hereditary cryohydrocytosis with normal stomatin. Identifiers: Orphanet 398088, MedGen C1861453, MONDO:0008494, OMIM 185020.
Autosomal dominant distal renal tubular acidosis (DRTA1). Also called: RENAL TUBULAR ACIDOSIS, DISTAL, 1; RTA, CLASSIC TYPE; RTA, DISTAL TYPE, AUTOSOMAL DOMINANT; RTA, GRADIENT TYPE; Renal Tubular Acidosis, Type I. Identifiers: Orphanet 93608, MedGen CN280572, MONDO:0008368, OMIM 179800.
Renal tubular acidosis, distal, 4, with hemolytic anemia. Also called: Renal Tubular Acidosis, Distal, with Hemolytic Anemia. Identifiers: Orphanet 93610, MedGen C5436235, MONDO:0012700, OMIM 611590.
Hereditary spherocytosis type 4. Also called: SLC4A1-Related Spherocytosis. Identifiers: Orphanet 822, MedGen C2675212, MONDO:0012981, OMIM 612653.
Malaria, susceptibility to. Identifiers: Orphanet 673, MedGen C1970028, MONDO:0021024, OMIM 611162.
BLOOD GROUP--FROESE (FR). Also called: FROESE BLOOD GROUP ANTIGEN. Identifiers: MedGen C1832168, OMIM 601551.
BLOOD GROUP--WRIGHT ANTIGEN (WR). Identifiers: MedGen C1862190, OMIM 112050.
BLOOD GROUP--SWANN SYSTEM (SW). Also called: SWANN BLOOD GROUP. Identifiers: MedGen C1832169, OMIM 601550.
BLOOD GROUP--DIEGO SYSTEM (DI). Identifiers: MedGen C1292286, OMIM 110500.
BLOOD GROUP, WALDNER (WD). Also called: WALDNER BLOOD GROUP ANTIGEN. Identifiers: MedGen C1862191, OMIM 112010.

Allele frequency attached by ClinVar (database versions not stated): gnomAD 0.00003; TOPMed 0.00003.
gnomAD v4.1: 18 of 1,613,932 alleles (0.0011%); highest among the groups gnomAD compares: African/African-American, 0.011%; no homozygotes.

Submissions (4):

Labcorp Genetics (formerly Invitae), Labcorp
Classification: Likely benign. Last evaluated: 2024-04-12. Review status: criteria provided, single submitter. Criteria: Invitae Variant Classification Sherloc (09022015). Collection method: clinical testing. Allele origin: germline.

Revvity Omics, Revvity
Classification: Uncertain significance. Last evaluated: 2023-04-11. Review status: criteria provided, single submitter. Criteria: ACMG Guidelines, 2015. Collection method: clinical testing. Allele origin: germline.

Fulgent Genetics
Classification: Uncertain significance for BLOOD GROUP--DIEGO SYSTEM; BLOOD GROUP, WALDNER; BLOOD GROUP--WRIGHT ANTIGEN; Southeast Asian ovalocytosis; Autosomal dominant distal renal tubular acidosis; Cryohydrocytosis; BLOOD GROUP--SWANN SYSTEM; BLOOD GROUP--FROESE; Malaria, susceptibility to; Renal tubular acidosis, distal, 4, with hemolytic anemia; Hereditary spherocytosis type 4. Last evaluated: 2022-04-13. Review status: criteria provided, single submitter. Criteria: ACMG Guidelines, 2015. Collection method: clinical testing. Allele origin: unknown.

Department of Pathology and Laboratory Medicine, Sinai Health System
Classification: Uncertain significance. Review status: no assertion criteria provided. Collection method: clinical testing. Allele origin: unknown. Affected: yes. Study: The Canadian Open Genetics Repository (COGR). Not counted in ClinVar's aggregate classification.
Comment: The SLC4A1 p.Arg180Cys variant was not identified in the literature nor was it identified in the ClinVar, Cosmic, or LOVD 3.0 databases. The variant was identified in dbSNP (ID: rs749020872) and in control databases in 4 of 251450 chromosomes at a frequency of 0.000016 (Genome Aggregation Database Feb 27, 2017). The variant was observed in the following populations: African in 1 of 16256 chromosomes (freq: 0.000062), Latino in 1 of 34590 chromosomes (freq: 0.000029) and European (non-Finnish) in 2 of 113750 chromosomes (freq: 0.000018); it was not observed in the Ashkenazi Jewish, East Asian, European (Finnish), Other, and South Asian populations. The p.Arg180 residue is conserved in mammals and computational analyses (PolyPhen-2, SIFT, AlignGVGD, BLOSUM, MutationTaster) provide inconsistent predictions regarding the impact to the protein; this information is not very predictive of pathogenicity. In silico or computational prediction software programs (SpliceSiteFinder, MaxEntScan, NNSPLICE, GeneSplicer) do not predict a difference in splicing. In summary, based on the above information the clinical significance of this variant cannot be determined with certainty at this time. This variant is classified as a variant of uncertain significance.

NM_000342.4(SLC4A1):c.538C>T (p.Arg180Cys)

Gene: SLC4A1 (solute carrier family 4 member 1 (Diego blood group); minus strand). Cytogenetic location: 17q21.31.
Variant type: single nucleotide variant.
Coding change: c.538C>T on transcript NM_000342.4 (MANE Select); coding-DNA position 538, C replaced by T.
Protein change: p.Arg180Cys; replaces arginine 180 with cysteine.
Molecular consequence: missense variant.
Genome position (GRCh38, 1-based): chr17:44,259,880, G>A on the plus strand (C>T on the coding strand, the complement: SLC4A1 is on the minus strand). VCF-style: chr17-44259880-G-A. GRCh37 (hg19) VCF-style: chr17-42337248-G-A.
Other names: short protein forms R180C.
Identifiers: ClinVar variation 1050262 (VCV001050262.6), dbSNP rs749020872, ClinGen allele CA8600563.
Genomic context (GRCh38, chr17:44,259,880, plus strand): 5'-AGAGCTGTGTCTCCAGTGAGGAGTGTTGGGGGAGCAGAGGCTGTGAAGGATCCCCAGAGC[G>A]TGTCAGGACTGCAGGCTTCACACCCCCCAGGGCCTCCAGCTCTCCAGCGTGGCTGCAGGA-3'
Protein context (NP_000333.1, residues 170-190): LGGVKPAVLT[Arg180Cys]SGDPSQPLLP